The following is an entry in ClinVar:

NM_001375524.1(TRRAP):c.4123G>T (p.Ala1375Ser)

Gene: TRRAP (transformation/transcription domain associated protein; plus strand). Cytogenetic location: 7q22.1.
Variant type: single nucleotide variant.
Coding change: c.4123G>T on transcript NM_001375524.1 (MANE Select); coding-DNA position 4123, G replaced by T.
Protein change: p.Ala1375Ser; replaces alanine 1375 with serine.
Molecular consequence: missense variant.
Genome position (GRCh38, 1-based): chr7:98,937,167, G>T. VCF-style: chr7-98937167-G-T. GRCh37 (hg19) VCF-style: chr7-98534790-G-T.
Other names: c.4123G>T, p.Ala1375Ser (NM_001244580.2, NM_003496.4); short protein forms A1375S.
Identifiers: ClinVar variation 5008415 (VCV005008415.1).
Genomic context (GRCh38, chr7:98,937,167, plus strand): 5'-GGCATCTTTCCAGTTAATAATGGAATTGTCTTGATTTCTCTCCCTGAAGATGCACTTGCT[G>T]CCTGCAATTACCTTCCTCAGTCCAGGGAGAAAATCATCGCTGCACTCTTCAAAGCCCTGA-3'
Protein context (NP_001362453.1, residues 1365-1385): LRIAALNALA[Ala1375Ser]CNYLPQSREK

ClinVar aggregate classification (germline): Uncertain significance (1 of 4 stars; one submission).

Submission:

GeneDx
Classification: Uncertain significance. Last evaluated: 2026-03-04. Review status: criteria provided, single submitter. Criteria: GeneDx Variant Classification Process June 2021. Collection method: clinical testing. Allele origin: germline.
Comment: Not observed at significant frequency in large population cohorts (gnomAD); In silico analysis suggests that this missense variant does not alter protein structure/function; Has not been previously published as pathogenic or benign to our knowledge